The following is an entry in ClinVar:

ClinVar aggregate classification (germline): Uncertain significance (1 of 4 stars; one submission).

Conditions:
Hyperphosphatasia with intellectual disability syndrome 5 (GPIBD11). Also called: GLYCOSYLPHOSPHATIDYLINOSITOL BIOSYNTHESIS DEFECT 11. Identifiers: Orphanet 247262, MedGen C4014958, MONDO:0014457, OMIM 616025.

Submission:

Labcorp Genetics (formerly Invitae), Labcorp
Classification: Uncertain significance for Hyperphosphatasia with intellectual disability syndrome 5. Last evaluated: 2021-06-02. Review status: criteria provided, single submitter. Criteria: Invitae Variant Classification Sherloc (09022015). Collection method: clinical testing. Allele origin: germline.
Comment: In summary, the available evidence is currently insufficient to determine the role of this variant in disease. Therefore, it has been classified as a Variant of Uncertain Significance. Experimental studies and prediction algorithms are not available or were not evaluated, and the functional significance of this variant is currently unknown. This variant has not been reported in the literature in individuals with PIGW-related conditions. This variant is not present in population databases (ExAC no frequency). This sequence change creates a premature translational stop signal (p.Met484Valfs*15) in the PIGW gene. While this is not anticipated to result in nonsense mediated decay, it is expected to disrupt the last 21 amino acid(s) of the PIGW protein.

NM_001346754.2(PIGW):c.1446_1447del (p.Met484fs)

Genes: MYO19 (myosin XIX; minus strand), PIGW (phosphatidylinositol glycan anchor biosynthesis class W; plus strand). Cytogenetic location: 17q12.
Variant type: Microsatellite.
Coding change: c.1446_1447del on transcript NM_001346754.2 (MANE Select); coding-DNA positions 1446 to 1447, 2 bases deleted (CT; older notation c.1446_1447delCT).
Protein change: p.Met484fs; shifts the reading frame from methionine 484.
Molecular consequence: frameshift variant.
Genome position (GRCh38, 1-based): chr17:36,538,547-36,538,548, CT deleted; deleting any 2 consecutive bases within chr17:36,538,544-36,538,548 gives the same sequence; the c. name uses the placement nearest the transcript's 3' end. VCF-style (leftmost placement, unchanged base first): chr17-36538543-ATC-A. GRCh37 (hg19) VCF-style: chr17-34894392-ATC-A.
Other names: c.1446_1447del, p.Met484fs (NM_001346755.2, NM_178517.5); short protein forms M484fs.
Identifiers: ClinVar variation 1351778 (VCV001351778.6), dbSNP rs1223732394, ClinGen allele CA728503752.